The following is an entry in ClinVar:

ClinVar aggregate classification (germline): Uncertain significance (1 of 4 stars; one submission).

Allele frequency attached by ClinVar (database versions not stated): gnomAD exomes below 0.00001.
gnomAD v4.1: 1 of 1,613,712 alleles (0.000062%); highest among the groups gnomAD compares: South Asian, 0.0011%; no homozygotes.

Submission:

GeneDx
Classification: Uncertain significance. Last evaluated: 2015-04-14. Review status: criteria provided, single submitter. Criteria: GeneDx Variant Classification (06012015). Collection method: clinical testing. Allele origin: germline. Affected: yes.
Comment: p.Ile128Thr (I128T) ATT>ACT: c.383 T>C in exon 3 of the COL5A1 gene (NM_000093.3) The I128T variant has not been published as a mutation, nor has it been reported as a benign polymorphism to our knowledge. The I128T variant was not observed in approximately 6,500 individuals of European and African American ancestry in the NHLBI Exome Sequencing Project, indicating it is not a common benign variant in these populations. The I128T variant is a non-conservative amino acid substitution, which is likely to impact secondary protein structure as these residues differ in polarity, charge, size and/or other properties. This substitution occurs at a position where amino acids with similar properties to Isoleucine are tolerated across species. However, the I128T variant does not affect a Glycine residue in a Gly-X-Y motif in the triple helical region of the COL5A1 gene, where the majority of missense mutations occur (Symoens et al., 2012). In silico analysis is inconsistent in its predictions as to whether or not the variant is damaging to the protein structure/function. Additionally, no missense mutations in nearby residues have been reported, indicating this region of the protein may tolerate change. Therefore, based on the currently available information, it is unclear whether this variant is a pathogenic mutation or a rare benign variant.This variant was found in TAADV2-1

NM_000093.5(COL5A1):c.383T>C (p.Ile128Thr)

Gene: COL5A1 (collagen type V alpha 1 chain; plus strand). Cytogenetic location: 9q34.3.
Variant type: single nucleotide variant.
Coding change: c.383T>C on transcript NM_000093.5 (MANE Select); coding-DNA position 383, T replaced by C.
Protein change: p.Ile128Thr; replaces isoleucine 128 with threonine.
Molecular consequence: missense variant.
Genome position (GRCh38, 1-based): chr9:134,700,014, T>C. VCF-style: chr9-134700014-T-C. GRCh37 (hg19) VCF-style: chr9-137591860-T-C.
Other names: p.I128T:ATT>ACT; c.383T>C, p.Ile128Thr (NM_001278074.1); short protein forms I128T.
Identifiers: ClinVar variation 213012 (VCV000213012.2), dbSNP rs863223464, ClinGen allele CA324279.